The following is an entry in ClinVar:

ClinVar aggregate classification (germline): Uncertain significance (1 of 4 stars; one submission).

Conditions:
Nephronophthisis 15 (NPHP15). Identifiers: Orphanet 3156, MedGen C3541853, MONDO:0013917, OMIM 614845.

Submission:

Labcorp Genetics (formerly Invitae), Labcorp
Classification: Uncertain significance for Nephronophthisis 15. Last evaluated: 2020-05-23. Review status: criteria provided, single submitter. Criteria: Invitae Variant Classification Sherloc (09022015). Collection method: clinical testing. Allele origin: germline.
Comment: In summary, the available evidence is currently insufficient to determine the role of this variant in disease. Therefore, it has been classified as a Variant of Uncertain Significance. Experimental studies and prediction algorithms are not available or were not evaluated, and the functional significance of this variant is currently unknown. This variant has not been reported in the literature in individuals with CEP164-related conditions. This variant is not present in population databases (ExAC no frequency). This variant, c.2890_2895dup, results in the insertion of 2 amino acid(s) to the CEP164 protein (p.Arg964_Gln965dup), but otherwise preserves the integrity of the reading frame.

NM_014956.5(CEP164):c.2890_2895dup (p.Arg964_Gln965dup)

Gene: CEP164 (centrosomal protein 164; plus strand). Cytogenetic location: 11q23.3.
Variant type: Duplication.
Coding change: c.2890_2895dup on transcript NM_014956.5 (MANE Select); coding-DNA positions 2890 to 2895, 6 bases duplicated (AGGCAG; older notation c.2890_2895dupAGGCAG).
Protein change: p.Arg964_Gln965dup.
Molecular consequence: inframe insertion.
Genome position (GRCh38, 1-based): chr11:117,395,168-117,395,173, AGGCAG duplicated; duplicating any 6 consecutive bases within chr11:117,395,164-117,395,173 gives the same sequence; the c. name uses the placement nearest the transcript's 3' end. VCF-style (leftmost placement, unchanged base first): chr11-117395163-T-TGCAGAG. GRCh37 (hg19) VCF-style: chr11-117265879-T-TGCAGAG.
Other names: c.2899_2904dup, p.Arg967_Gln968dup (NM_001271933.2).
Identifiers: ClinVar variation 1035787 (VCV001035787.8), dbSNP rs2045276879, ClinGen allele CA2003008640.